The following is an entry in ClinVar:

NM_000256.3(MYBPC3):c.3570_3573del (p.Val1192fs)

Gene: MYBPC3 (myosin binding protein C3; minus strand). Cytogenetic location: 11p11.2.
Variant type: Deletion.
Coding change: c.3570_3573del on transcript NM_000256.3 (MANE Select); coding-DNA positions 3570 to 3573, 4 bases deleted (CTCG; older notation c.3570_3573delCTCG).
Protein change: p.Val1192fs; shifts the reading frame from valine 1192.
Molecular consequence: frameshift variant.
Genome position (GRCh38, 1-based): chr11:47,332,620-47,332,623, CGAG deleted on the plus strand (CTCG on the coding strand, the reverse complement: MYBPC3 is on the minus strand); deleting any 4 consecutive bases within chr11:47,332,620-47,332,625 gives the same sequence; the c. name uses the placement nearest the transcript's 3' end. VCF-style (leftmost placement, unchanged base first): chr11-47332619-CCGAG-C. GRCh37 (hg19) VCF-style: chr11-47354170-CCGAG-C.
Other names: c.3570_3573del, p.Val1192fs (LRG_386t1); c.3570_3573delCTCG (NM_000256.3); short protein forms V1192fs.
Identifiers: ClinVar variation 664646 (VCV000664646.6), dbSNP rs1595841063, ClinGen allele CA915948128.
Genomic context (GRCh38, chr11:47,332,619, plus strand): 5'-TCCCTACCTTGGGGCTACCCCGGACAGCACAGCAGAGCATAGCAGTGTAGCCCGCGATGA[CCGAG>C]CGGTTCACCAGGGGCTGGGTGAAGCTTGGGGCCTCGGAGAAGTCCAGGGCCTTATAGTTG-3'

ClinVar aggregate classification (germline): Pathogenic (1 of 4 stars; one submission).

Conditions:
Hypertrophic cardiomyopathy. Also called: HYPERTROPHIC MYOCARDIOPATHY. Identifiers: Orphanet 217569, MedGen C0007194, MeSH D002312, MONDO:0005045, HP:0001639.

Submission:

Labcorp Genetics (formerly Invitae), Labcorp
Classification: Pathogenic for Hypertrophic cardiomyopathy. Last evaluated: 2022-05-28. Review status: criteria provided, single submitter. Criteria: Invitae Variant Classification Sherloc (09022015). Collection method: clinical testing. Allele origin: germline.
Comment: This sequence change creates a premature translational stop signal (p.Val1192Serfs*44) in the MYBPC3 gene. It is expected to result in an absent or disrupted protein product. Loss-of-function variants in MYBPC3 are known to be pathogenic (PMID: 19574547). This variant is not present in population databases (gnomAD no frequency). For these reasons, this variant has been classified as Pathogenic. ClinVar contains an entry for this variant (Variation ID: 664646). This variant has not been reported in the literature in individuals affected with MYBPC3-related conditions.

Literature cited by the submitters: PubMed 19574547.